The following is an entry in ClinVar:

NM_000059.4(BRCA2):c.3401G>C (p.Ser1134Thr)

Gene: BRCA2 (BRCA2 DNA repair associated; plus strand). Cytogenetic location: 13q13.1.
Variant type: single nucleotide variant.
Coding change: c.3401G>C on transcript NM_000059.4 (MANE Select); coding-DNA position 3401, G replaced by C.
Protein change: p.Ser1134Thr; replaces serine 1134 with threonine.
Molecular consequence: missense variant.
Genome position (GRCh38, 1-based): chr13:32,337,756, G>C. VCF-style: chr13-32337756-G-C. GRCh37 (hg19) VCF-style: chr13-32911893-G-C.
Other names: p.S1134T:AGC>ACC; 3629G>C; short protein forms S1134T.
Identifiers: ClinVar variation 91799 (VCV000091799.25), dbSNP rs398122764, ClinGen allele CA017944.
Genomic context (GRCh38, chr13:32,337,756, plus strand): 5'-TTTCTACTATATTAGAAGAATCAGGAAGTCAGTTTGAATTTACTCAGTTTAGAAAACCAA[G>C]CTACATATTGCAGAAGAGTACATTTGAAGTGCCTGAAAACCAGATGACTATCTTAAAGAC-3'
Protein context (NP_000050.3, residues 1124-1144): QFEFTQFRKP[Ser1134Thr]YILQKSTFEV

ClinVar aggregate classification (germline): Conflicting classifications of pathogenicity. Review status: criteria provided, conflicting classifications (1 of 4 stars). 8 submissions from 8 submitters: Uncertain significance (1); Likely benign (5). 2 of the submissions do not count toward it. Last evaluated 2025-12-15.

Conditions:
Hereditary breast ovarian cancer syndrome. Also called: Hereditary breast and ovarian cancer syndrome; Hereditary breast and/or ovarian cancer syndrome; Hereditary breast and ovarian cancer; Hereditary breast and ovarian cancer syndrome (HBOC); Breast and ovarian cancer; BRCA1- and BRCA2-Associated Hereditary Breast and Ovarian Cancer. Identifiers: Orphanet 145, MedGen C0677776, MeSH D061325, MONDO:0003582. Disease mechanism: loss of function.
Breast-ovarian cancer, familial, susceptibility to, 2 (BROVCA2). Also called: BRCA2 Hereditary Breast and Ovarian Cancer. Identifiers: Orphanet 145, MedGen C2675520, MONDO:0012933, OMIM 612555. Disease mechanism: loss of function.
Hereditary cancer-predisposing syndrome. Also called: Neoplastic Syndromes, Hereditary; Hereditary Cancer Syndrome; Tumor predisposition; Hereditary neoplastic syndrome. Identifiers: Orphanet 140162, MedGen C0027672, MeSH D009386, MONDO:0015356.

Allele frequency attached by ClinVar (database versions not stated): gnomAD 0.00001; gnomAD exomes 0.00001; ExAC 0.00002; TOPMed 0.00002.
gnomAD v4.1: 10 of 1,613,760 alleles (0.00062%); highest among the groups gnomAD compares: Admixed American, 0.0033%; no homozygotes.

Submissions (8):

Labcorp Genetics (formerly Invitae), Labcorp
Classification: Likely benign for Hereditary breast ovarian cancer syndrome. Last evaluated: 2025-12-15. Review status: criteria provided, single submitter. Criteria: Invitae Variant Classification Sherloc (09022015). Collection method: clinical testing. Allele origin: germline.

Blueprint Genetics
Classification: Uncertain significance. Last evaluated: 2024-01-23. Review status: criteria provided, single submitter. Criteria: ACMG Guidelines, 2015. Collection method: clinical testing. Allele origin: germline.

University of Washington Department of Laboratory Medicine, University of Washington
Classification: Likely benign for Hereditary cancer-predisposing syndrome. Last evaluated: 2023-03-23. Review status: criteria provided, single submitter. Criteria: Dines et al. (Genet Med. 2020). Collection method: curation. Allele origin: germline.
Comment: Missense variant in a coldspot region where missense variants are very unlikely to be pathogenic (PMID:31911673).

BRCA2 exon 11 coldspot. Reclassification based on statistical prior probability.

Ambry Genetics
Classification: Likely benign for Hereditary cancer-predisposing syndrome. Last evaluated: 2018-05-15. Review status: criteria provided, single submitter. Criteria: Ambry Variant Classification Scheme 2023. Collection method: clinical testing. Allele origin: germline.

GeneDx
Classification: Likely benign. Last evaluated: 2018-04-26. Review status: criteria provided, single submitter. Criteria: GeneDx Variant Classification Process June 2021. Collection method: clinical testing. Allele origin: germline. Affected: yes.

Color Diagnostics, LLC DBA Color Health
Classification: Likely benign for Hereditary cancer-predisposing syndrome. Last evaluated: 2016-08-13. Review status: criteria provided, single submitter. Criteria: ACMG Guidelines, 2015. Collection method: clinical testing. Allele origin: germline.

Counsyl
Classification: Uncertain significance for Breast-ovarian cancer, familial, susceptibility to, 2. Last evaluated: 2017-04-11. Review status: no assertion criteria provided. Collection method: clinical testing. Allele origin: unknown. Not counted in ClinVar's aggregate classification.

Sharing Clinical Reports Project (SCRP)
Classification: Likely benign for Breast-ovarian cancer, familial 2. Last evaluated: 2012-11-26. Review status: no assertion criteria provided. Collection method: clinical testing. Allele origin: germline. Not counted in ClinVar's aggregate classification.